The following is an entry in ClinVar:

ClinVar aggregate classification (germline): Uncertain significance (1 of 4 stars; one submission).

Conditions:
Nephronophthisis 14 (NPHP14). Identifiers: Orphanet 2318, MedGen C3539071, MONDO:0013916, OMIM 614844.

gnomAD v4.1: 4 of 1,614,092 alleles (0.00025%); highest among the groups gnomAD compares: Non-Finnish European, 0.00034%; no homozygotes.

Submission:

Labcorp Genetics (formerly Invitae), Labcorp
Classification: Uncertain significance for Nephronophthisis 14. Last evaluated: 2022-05-03. Review status: criteria provided, single submitter. Criteria: Invitae Variant Classification Sherloc (09022015). Collection method: clinical testing. Allele origin: germline.
Comment: This sequence change replaces valine, which is neutral and non-polar, with leucine, which is neutral and non-polar, at codon 460 of the ZNF423 protein (p.Val460Leu). This variant is present in population databases (no rsID available, gnomAD 0.0009%). This variant has not been reported in the literature in individuals affected with ZNF423-related conditions. Algorithms developed to predict the effect of missense changes on protein structure and function are either unavailable or do not agree on the potential impact of this missense change (SIFT: "Deleterious"; PolyPhen-2: "Benign"; Align-GVGD: "Class C0"). In summary, the available evidence is currently insufficient to determine the role of this variant in disease. Therefore, it has been classified as a Variant of Uncertain Significance.

NM_001379286.1(ZNF423):c.1402G>C (p.Val468Leu)

Gene: ZNF423 (zinc finger protein 423; minus strand). Cytogenetic location: 16q12.1.
Variant type: single nucleotide variant.
Coding change: c.1402G>C on transcript NM_001379286.1 (MANE Select); coding-DNA position 1402, G replaced by C.
Protein change: p.Val468Leu; replaces valine 468 with leucine.
Molecular consequence: missense variant.
Genome position (GRCh38, 1-based): chr16:49,637,774, C>G on the plus strand (G>C on the coding strand, the complement: ZNF423 is on the minus strand). VCF-style: chr16-49637774-C-G. GRCh37 (hg19) VCF-style: chr16-49671685-C-G.
Other names: c.1198G>C, p.Val400Leu (NM_001271620.2); c.1027G>C, p.Val343Leu (NM_001330533.2); c.1378G>C, p.Val460Leu (NM_015069.5); short protein forms V460L, V468L, V343L, V400L.
Identifiers: ClinVar variation 1961848 (VCV001961848.2), dbSNP rs201588114, ClinGen allele CA395849577.